The following is an entry in ClinVar:

ClinVar aggregate classification (germline): Likely benign (1 of 4 stars; one submission).

Allele frequency attached by ClinVar (database versions not stated): ExAC 0.00232; gnomAD 0.00671; TOPMed 0.00717; ESP Exome Variant Server 0.00800; 1000 Genomes Project 0.01098; 1000 Genomes Project 30x 0.01249.
gnomAD v4.1: 2,041 of 1,533,674 alleles (0.13%); highest among the groups gnomAD compares: African/African-American, 2.2%; 16 homozygotes.

Submission:

GeneDx
Classification: Likely benign. Last evaluated: 2021-05-26. Review status: criteria provided, single submitter. Criteria: GeneDx Variant Classification Process June 2021. Collection method: clinical testing. Allele origin: germline. Affected: yes.
Comment: See Variant Classification Assertion Criteria.

NM_004132.5(HABP2):c.70-43G>C

Gene: HABP2 (hyaluronan binding protein 2; plus strand). Cytogenetic location: 10q25.3.
Variant type: single nucleotide variant.
Coding change: c.70-43G>C on transcript NM_004132.5 (MANE Select); 43 bases into the intron before coding-DNA position 70, G replaced by C.
Molecular consequence: intron variant.
Genome position (GRCh38, 1-based): chr10:113,567,446, G>C. VCF-style: chr10-113567446-G-C. GRCh37 (hg19) VCF-style: chr10-115327205-G-C.
Other names: c.-9-43G>C (NM_001177660.3).
Identifiers: ClinVar variation 1707234 (VCV001707234.2), dbSNP rs7098547, ClinGen allele CA5693433.
Genomic context (GRCh38, chr10:113,567,446, plus strand): 5'-AGTGCACCTGCACCCCATACGATCTCCTCTGGCTGACAGCTAAGGAGCACGCCCGGCAGA[G>C]CTCCATCTCAACGCTGATCTGCTGTGTTGTTTTGTTTTTCAGTTCTCCCTGATGTCTTTA-3'